The following is an entry in ClinVar:

NM_024757.5(EHMT1):c.3310G>T (p.Glu1104Ter)

Gene: EHMT1 (euchromatic histone lysine methyltransferase 1; plus strand). Cytogenetic location: 9q34.3.
Variant type: single nucleotide variant.
Coding change: c.3310G>T on transcript NM_024757.5 (MANE Select); coding-DNA position 3310, G replaced by T.
Protein change: p.Glu1104Ter; replaces glutamic acid 1104 with a stop codon.
Molecular consequence: nonsense.
Genome position (GRCh38, 1-based): chr9:137,815,998, G>T. VCF-style: chr9-137815998-G-T. GRCh37 (hg19) VCF-style: chr9-140710450-G-T.
Other names: c.3289G>T, p.Glu1097Ter (NM_001354263.2); short protein forms E1097*, E1104*.
Identifiers: ClinVar variation 1685764 (VCV001685764.2), dbSNP rs886041093, ClinGen allele CA375796450.

ClinVar aggregate classification (germline): Pathogenic. Review status: criteria provided, multiple submitters, no conflicts (2 of 4 stars). 2 submissions from 2 submitters: Pathogenic (2). Last evaluated 2023-12-01.

Conditions:
Kleefstra syndrome 1 (KLEFS1). Identifiers: Orphanet 261494, MedGen C0795833, MONDO:0027407, OMIM 610253.

Submissions (2):

3billion
Classification: Pathogenic for Kleefstra syndrome 1. Last evaluated: 2023-12-01. Review status: criteria provided, single submitter. Criteria: ACMG Guidelines, 2015. Collection method: clinical testing. Allele origin: germline. Affected: yes.
Comment: The variant is not observed in the gnomAD v2.1.1 dataset. Predicted Consequence/Location: Stop-gained (nonsense): predicted to result in a loss or disruption of normal protein function through nonsense-mediated decay (NMD) or protein truncation. Multiple pathogenic variants are reported downstream of the variant. The variant has been reported to be associated with EHMT1 related disorder (ClinVar ID: VCV001685764). Therefore, this variant is classified as Pathogenic according to the recommendation of ACMG/AMP guideline.

Mendelics
Classification: Pathogenic for Kleefstra syndrome 1. Last evaluated: 2022-05-04. Review status: criteria provided, single submitter. Criteria: Mendelics Assertion Criteria 2019. Collection method: clinical testing. Allele origin: germline.